The following is an entry in ClinVar:

ClinVar aggregate classification (germline): Likely pathogenic. Review status: criteria provided, single submitter (1 of 4 stars). 2 submissions from 2 submitters: Likely pathogenic (1). 1 of the submissions does not count toward it. Last evaluated 2019-08-26.

Conditions:
PKD1-related disorder. Also called: PKD1-related condition.
Polycystic kidney disease, adult type (PKD1). Also called: Polycystic Kidney Disease 1, Autosomal Dominant; Polycystic kidney disease 1; Polycystic kidney disease 1, severe; Polycystic Kidney, Autosomal Dominant; POLYCYSTIC KIDNEY DISEASE 1 WITH OR WITHOUT POLYCYSTIC LIVER DISEASE; POLYCYSTIC KIDNEY DISEASE, ADULT, TYPE I. Identifiers: MedGen C3149841, MONDO:0008263, OMIM 173900.

Submissions (2):

Institute of Human Genetics, University of Leipzig Medical Center
Classification: Likely pathogenic for Polycystic kidney disease, adult type. Last evaluated: 2019-08-26. Review status: criteria provided, single submitter. Criteria: ACMG Guidelines, 2015. Collection method: clinical testing. Allele origin: germline. Affected: yes. Observed: 1 variant allele.

PreventionGenetics, part of Exact Sciences
Classification: Pathogenic for PKD1-related condition. Last evaluated: 2024-05-24. Review status: no assertion criteria provided. Collection method: clinical testing. Allele origin: germline. Not counted in ClinVar's aggregate classification.
Comment: The PKD1 c.655C>T variant is predicted to result in premature protein termination (p.Gln219*). To our knowledge, this variant has not been reported in the literature or in a large population database, indicating this variant is rare. Nonsense variants in PKD1 are expected to be pathogenic. This variant is interpreted as pathogenic.

NM_001009944.3(PKD1):c.655C>T (p.Gln219Ter)

Gene: PKD1 (polycystin 1, transient receptor potential channel interacting; minus strand). Cytogenetic location: 16p13.3.
Variant type: single nucleotide variant.
Coding change: c.655C>T on transcript NM_001009944.3 (MANE Select); coding-DNA position 655, C replaced by T.
Protein change: p.Gln219Ter; replaces glutamine 219 with a stop codon.
Molecular consequence: nonsense.
Genome position (GRCh38, 1-based): chr16:2,118,337, G>A on the plus strand (C>T on the coding strand, the complement: PKD1 is on the minus strand). VCF-style: chr16-2118337-G-A. GRCh37 (hg19) VCF-style: chr16-2168338-G-A.
Other names: c.655C>T, p.Gln219Ter (NM_000296.4); short protein forms Q219*.
Identifiers: ClinVar variation 976019 (VCV000976019.2), dbSNP rs2092673393, ClinGen allele CA394394688.